The following is an entry in ClinVar:

ClinVar aggregate classification (germline): Uncertain significance. Review status: criteria provided, multiple submitters, no conflicts (2 of 4 stars). 2 submissions from 2 submitters: Uncertain significance (2). Last evaluated 2023-08-03.

Conditions:
BAP1-related tumor predisposition syndrome (TPDS1). Also called: BAP1 tumor predisposition syndrome; TUMOR PREDISPOSITION SYNDROME 1; Tumor susceptibility linked to germline BAP1 mutations; COMMON Syndrome. Identifiers: Orphanet 289539, MedGen C3280492, MONDO:0013692, OMIM 614327.

gnomAD v4.1: 1 of 1,614,104 alleles (0.000062%); highest among the groups gnomAD compares: Non-Finnish European, 0.000085%; no homozygotes.

Submissions (2):

Baylor Genetics
Classification: Uncertain significance for BAP1-related tumor predisposition syndrome. Last evaluated: 2023-08-03. Review status: criteria provided, single submitter. Criteria: ACMG Guidelines, 2015. Collection method: clinical testing. Allele origin: unknown.

Labcorp Genetics (formerly Invitae), Labcorp
Classification: Uncertain significance for BAP1-related tumor predisposition syndrome. Last evaluated: 2020-08-14. Review status: criteria provided, single submitter. Criteria: Invitae Variant Classification Sherloc (09022015). Collection method: clinical testing. Allele origin: germline.
Comment: This sequence change replaces serine with cysteine at codon 432 of the BAP1 protein (p.Ser432Cys). The serine residue is moderately conserved and there is a moderate physicochemical difference between serine and cysteine. This variant is not present in population databases (ExAC no frequency). This variant has not been reported in the literature in individuals with BAP1-related conditions. Algorithms developed to predict the effect of missense changes on protein structure and function (SIFT, PolyPhen-2, Align-GVGD) all suggest that this variant is likely to be tolerated, but these predictions have not been confirmed by published functional studies and their clinical significance is uncertain. In summary, the available evidence is currently insufficient to determine the role of this variant in disease. Therefore, it has been classified as a Variant of Uncertain Significance.

NM_004656.4(BAP1):c.1295C>G (p.Ser432Cys)

Gene: BAP1 (BRCA1 associated deubiquitinase 1; minus strand). Cytogenetic location: 3p21.1.
Variant type: single nucleotide variant.
Coding change: c.1295C>G on transcript NM_004656.4 (MANE Select); coding-DNA position 1295, C replaced by G.
Protein change: p.Ser432Cys; replaces serine 432 with cysteine.
Molecular consequence: missense variant.
Genome position (GRCh38, 1-based): chr3:52,403,850, G>C on the plus strand (C>G on the coding strand, the complement: BAP1 is on the minus strand). VCF-style: chr3-52403850-G-C. GRCh37 (hg19) VCF-style: chr3-52437866-G-C.
Other names: short protein forms S432C.
Identifiers: ClinVar variation 1014296 (VCV001014296.6), dbSNP rs866182083, ClinGen allele CA353102280.
Genomic context (GRCh38, chr3:52,403,850, plus strand): 5'-AGCTTCTCAGCCAAGACGTTGATGGTGTTGGGCTGCAGCACTGACAGTTGCCCATCAGCA[G>C]AACCGCTCAATGCCCCTGGCTTCCCTGTTCCCTTCCCCTTATACCTGTGGGGCCCGAGAA-3'
Protein context (NP_004647.1, residues 422-442): GTGKPGALSG[Ser432Cys]ADGQLSVLQP